The following is an entry in ClinVar:

ClinVar aggregate classification (germline): Uncertain significance (1 of 4 stars; one submission).

Allele frequency attached by ClinVar (database versions not stated): gnomAD 0.00001; TOPMed 0.00001.
gnomAD v4.1: 7 of 1,613,262 alleles (0.00043%); highest among the groups gnomAD compares: African/African-American, 0.0013%; no homozygotes.

Submission:

Labcorp Genetics (formerly Invitae), Labcorp
Classification: Uncertain significance. Last evaluated: 2023-01-04. Review status: criteria provided, single submitter. Criteria: Invitae Variant Classification Sherloc (09022015). Collection method: clinical testing. Allele origin: germline.
Comment: In summary, the available evidence is currently insufficient to determine the role of this variant in disease. Therefore, it has been classified as a Variant of Uncertain Significance. Algorithms developed to predict the effect of missense changes on protein structure and function are either unavailable or do not agree on the potential impact of this missense change (SIFT: "Deleterious"; PolyPhen-2: "Probably Damaging"; Align-GVGD: "Class C0"). This variant has not been reported in the literature in individuals affected with DSCAML1-related conditions. The frequency data for this variant in the population databases is considered unreliable, as metrics indicate poor data quality at this position in the gnomAD database. This sequence change replaces aspartic acid, which is acidic and polar, with asparagine, which is neutral and polar, at codon 504 of the DSCAML1 protein (p.Asp504Asn).

NM_020693.4(DSCAML1):c.1330G>A (p.Asp444Asn)

Gene: DSCAML1 (DS cell adhesion molecule like 1; minus strand). Cytogenetic location: 11q23.3.
Variant type: single nucleotide variant.
Coding change: c.1330G>A on transcript NM_020693.4 (MANE Select); coding-DNA position 1330, G replaced by A.
Protein change: p.Asp444Asn; replaces aspartic acid 444 with asparagine.
Molecular consequence: missense variant.
Genome position (GRCh38, 1-based): chr11:117,518,646, C>T on the plus strand (G>A on the coding strand, the complement: DSCAML1 is on the minus strand). VCF-style: chr11-117518646-C-T. GRCh37 (hg19) VCF-style: chr11-117389361-C-T.
Other names: c.1330G>A, p.Asp444Asn (NM_001367904.1); c.922G>A, p.Asp308Asn (NM_001367905.1); short protein forms D444N, D308N.
Identifiers: ClinVar variation 2881710 (VCV002881710.3), dbSNP rs1193109859, ClinGen allele CA382745864.
Genomic context (GRCh38, chr11:117,518,646, plus strand): 5'-CGTCCGACATGGTGTACTGGTTGGTGCGGTGGCTGCCATCCCGCACGATGGGCTCATCGT[C>T]GAGGGCCCAGGTGACCGTGGGGGGCGGGGCGCCCTTGGCCGCACACATCAGTGAGAACTG-3'
Protein context (NP_065744.3, residues 434-454): APPPTVTWAL[Asp444Asn]DEPIVRDGSH